The following is an entry in ClinVar:

ClinVar aggregate classification (germline): Uncertain significance (1 of 4 stars; one submission).

Submission:

Labcorp Genetics (formerly Invitae), Labcorp
Classification: Uncertain significance. Last evaluated: 2024-06-23. Review status: criteria provided, single submitter. Criteria: Invitae Variant Classification Sherloc (09022015). Collection method: clinical testing. Allele origin: germline.
Comment: This variant results in the deletion of part of exon 6 (c.1138_1274+14delinsA) of the KRT14 gene. It is expected to disrupt RNA splicing. Variants that disrupt the donor or acceptor splice site typically lead to a loss of protein function (PMID: 16199547), however the current clinical and genetic evidence is not sufficient to establish whether loss-of-function variants in KRT14 cause disease. This variant is not present in population databases (gnomAD no frequency). This variant has been observed in individual(s) with clinical features of autosomal dominant epidermolysis bullosa (Invitae). In summary, the available evidence is currently insufficient to determine the role of this variant in disease. Therefore, it has been classified as a Variant of Uncertain Significance.

Literature cited by the submitters: PubMed 16199547.

NM_000526.5(KRT14):c.1138_1274+14delinsA

Gene: KRT14 (keratin 14; minus strand). Cytogenetic location: 17q21.2.
Variant type: Indel.
Coding change: c.1138_1274+14delinsA on transcript NM_000526.5 (MANE Select); coding-DNA position 1138 through 14 bases into the intron after coding-DNA position 1274, the reference bases replaced by A.
Molecular consequence: splice donor variant.
Genome position (GRCh38, 1-based): chr17:41,583,221-41,583,371, 151 bases replaced. GRCh37 (hg19): chr17:39,739,473-39,739,623.
Identifiers: ClinVar variation 3657571 (VCV003657571.2).